The following is an entry in ClinVar:

NM_001378454.1(ALMS1):c.8218A>G (p.Ser2740Gly)

Gene: ALMS1 (ALMS1 centrosome and basal body associated protein; plus strand). Cytogenetic location: 2p13.1.
Variant type: single nucleotide variant.
Coding change: c.8218A>G on transcript NM_001378454.1 (MANE Select); coding-DNA position 8218, A replaced by G.
Protein change: p.Ser2740Gly; replaces serine 2740 with glycine.
Molecular consequence: missense variant.
Genome position (GRCh38, 1-based): chr2:73,490,177, A>G. VCF-style: chr2-73490177-A-G. GRCh37 (hg19) VCF-style: chr2-73717304-A-G.
Other names: c.8221A>G, p.Ser2741Gly (NM_015120.4); short protein forms S2740G, S2741G.
Identifiers: ClinVar variation 1906368 (VCV001906368.5), dbSNP rs2466214791, ClinGen allele CA347267888.

ClinVar aggregate classification (germline): Uncertain significance (1 of 4 stars; one submission).

Conditions:
Alstrom syndrome (ALMS). Identifiers: Orphanet 64, MedGen C0268425, MONDO:0008763, OMIM 203800.

Submission:

Labcorp Genetics (formerly Invitae), Labcorp
Classification: Uncertain significance for Alstrom syndrome. Last evaluated: 2025-05-05. Review status: criteria provided, single submitter. Criteria: Invitae Variant Classification Sherloc (09022015). Collection method: clinical testing. Allele origin: germline.
Comment: This sequence change replaces serine, which is neutral and polar, with glycine, which is neutral and non-polar, at codon 2741 of the ALMS1 protein (p.Ser2741Gly). This variant is not present in population databases (gnomAD no frequency). This variant has not been reported in the literature in individuals affected with ALMS1-related conditions. ClinVar contains an entry for this variant (Variation ID: 1906368). Experimental studies and prediction algorithms are not available or were not evaluated, and the functional significance of this variant is currently unknown. In summary, the available evidence is currently insufficient to determine the role of this variant in disease. Therefore, it has been classified as a Variant of Uncertain Significance.